The following is an entry in ClinVar:

ClinVar aggregate classification (germline): Conflicting classifications of pathogenicity. Review status: criteria provided, conflicting classifications (1 of 4 stars). 2 submissions from 2 submitters: Uncertain significance (1); Likely benign (1). Last evaluated 2024-07-22.

Conditions:
Colorectal cancer, hereditary nonpolyposis, type 7. Identifiers: Orphanet 144, MedGen C1858380, MONDO:0013725, OMIM 614385.

Allele frequency attached by ClinVar (database versions not stated): TOPMed below 0.00001; gnomAD 0.00001.
gnomAD v4.1: 1 of 1,614,058 alleles (0.000062%); highest among the groups gnomAD compares: East Asian, 0.0022%; no homozygotes.

Submissions (2):

Labcorp Genetics (formerly Invitae), Labcorp
Classification: Uncertain significance for Colorectal cancer, hereditary nonpolyposis, type 7. Last evaluated: 2024-07-22. Review status: criteria provided, single submitter. Criteria: Invitae Variant Classification Sherloc (09022015). Collection method: clinical testing. Allele origin: germline.
Comment: This sequence change replaces glutamine, which is neutral and polar, with glutamic acid, which is acidic and polar, at codon 1375 of the MLH3 protein (p.Gln1375Glu). This variant is not present in population databases (gnomAD no frequency). This variant has not been reported in the literature in individuals affected with MLH3-related conditions. ClinVar contains an entry for this variant (Variation ID: 2561659). An algorithm developed to predict the effect of missense changes on protein structure and function outputs the following: PolyPhen-2: "Benign". The glutamic acid amino acid residue is found in multiple mammalian species, which suggests that this missense change does not adversely affect protein function. In summary, the available evidence is currently insufficient to determine the role of this variant in disease. Therefore, it has been classified as a Variant of Uncertain Significance.

Ambry Genetics
Classification: Likely benign. Last evaluated: 2023-04-26. Review status: criteria provided, single submitter. Criteria: Ambry Variant Classification Scheme 2023. Collection method: clinical testing. Allele origin: germline.

NM_001040108.2(MLH3):c.4123C>G (p.Gln1375Glu)

Gene: MLH3 (mutL homolog 3; minus strand). Cytogenetic location: 14q24.3.
Variant type: single nucleotide variant.
Coding change: c.4123C>G on transcript NM_001040108.2 (MANE Select); coding-DNA position 4123, C replaced by G.
Protein change: p.Gln1375Glu; replaces glutamine 1375 with glutamic acid.
Molecular consequence: missense variant.
Genome position (GRCh38, 1-based): chr14:75,018,948, G>C on the plus strand (C>G on the coding strand, the complement: MLH3 is on the minus strand). VCF-style: chr14-75018948-G-C. GRCh37 (hg19) VCF-style: chr14-75485651-G-C.
Other names: c.4051C>G, p.Gln1351Glu (NM_014381.3); short protein forms Q1375E, Q1351E.
Identifiers: ClinVar variation 2561659 (VCV002561659.4), dbSNP rs1433367660, ClinGen allele CA390420080.